The following is an entry in ClinVar:

NM_000321.3(RB1):c.1836_1837del (p.Pro613fs)

Gene: RB1 (RB transcriptional corepressor 1; plus strand). Cytogenetic location: 13q14.2.
Variant type: Microsatellite.
Coding change: c.1836_1837del on transcript NM_000321.3 (MANE Select); coding-DNA positions 1836 to 1837, 2 bases deleted (TC; older notation c.1836_1837delTC).
Protein change: p.Pro613fs; shifts the reading frame from proline 613.
Molecular consequence: frameshift variant.
Genome position (GRCh38, 1-based): chr13:48,456,225-48,456,226, TC deleted; deleting any 2 consecutive bases within chr13:48,456,223-48,456,226 gives the same sequence; the c. name uses the placement nearest the transcript's 3' end. VCF-style (leftmost placement, unchanged base first): chr13-48456222-ATC-A. GRCh37 (hg19) VCF-style: chr13-49030358-ATC-A.
Other names: c.1836_1837del, p.Pro613fs (NM_001407165.1); short protein forms P613fs.
Identifiers: ClinVar variation 3237031 (VCV003237031.1), dbSNP rs2542363970.

ClinVar aggregate classification (germline): Pathogenic (1 of 4 stars; one submission).

Conditions:
Retinoblastoma (RB1). Also called: RETINOBLASTOMA, SOMATIC. Identifiers: Orphanet 790, MedGen C0035335, MeSH D012175, MONDO:0008380, OMIM 180200, HP:0009919. Disease mechanism: loss of function. Inheritance: Both sporadic and heritable forms are tested..

Submission:

Genetic Diagnostic Laboratory, University of Pennsylvania School of Medicine
Classification: Pathogenic for Retinoblastoma. Last evaluated: 2024-05-20. Review status: criteria provided, single submitter. Criteria: ACMG Guidelines, 2015. Collection method: clinical testing. Allele origin: germline. Affected: yes. Observed: 1 variant allele.
Comment: Case and Pedigree Information: BILATERAL CASES:1, UNILATERAL CASES:0, TOTAL CASES:1, PEDIGREES:1. ACMG Codes Applied:PVS1, PM2